The following is an entry in ClinVar:

ClinVar aggregate classification (germline): Conflicting classifications of pathogenicity. Review status: criteria provided, conflicting classifications (1 of 4 stars). 2 submissions from 2 submitters: Uncertain significance (1); Likely benign (1). Last evaluated 2026-01-21.

Conditions:
Familial hypobetalipoproteinemia 1. Also called: APOB-Related Familial Hypobetalipoproteinemia; Hypobetalipoproteinemia, normotriglyceridemic; Acanthocytosis with hypobetalipoproteinemia. Identifiers: MedGen C4551990, MONDO:0014252, OMIM 615558.
Hypercholesterolemia, autosomal dominant, type B (FHCL2). Also called: Familial hypercholesterolemia 2; Familial Hypercholesterolemia Type B; APOLIPOPROTEIN B-100, FAMILIAL DEFECTIVE; APOLIPOPROTEIN B-100, FAMILIAL LIGAND-DEFECTIVE; HYPERCHOLESTEROLEMIA, FAMILIAL, DUE TO LIGAND-DEFECTIVE APOLIPOPROTEIN B; Hyperlipoproteinemia Type IIb. Identifiers: MedGen C1704417, MONDO:0007751, OMIM 144010.

Allele frequency attached by ClinVar (database versions not stated): gnomAD 0.00001; gnomAD exomes 0.00004; ExAC 0.00005.

Submissions (2):

GeneDx
Classification: Uncertain significance. Last evaluated: 2026-01-21. Review status: criteria provided, single submitter. Criteria: GeneDx Variant Classification Process June 2021. Collection method: clinical testing. Allele origin: germline.
Comment: In silico analysis supports that this missense variant has a deleterious effect on protein structure/function; Has not been previously published as pathogenic or benign to our knowledge

Labcorp Genetics (formerly Invitae), Labcorp
Classification: Likely benign for Familial hypobetalipoproteinemia 1; Hypercholesterolemia, autosomal dominant, type B. Last evaluated: 2025-12-27. Review status: criteria provided, single submitter. Criteria: Invitae Variant Classification Sherloc (09022015). Collection method: clinical testing. Allele origin: germline.

NM_000384.3(APOB):c.9193A>G (p.Thr3065Ala)

Gene: APOB (apolipoprotein B; minus strand). Cytogenetic location: 2p24.1.
Variant type: single nucleotide variant.
Coding change: c.9193A>G on transcript NM_000384.3 (MANE Select); coding-DNA position 9193, A replaced by G.
Protein change: p.Thr3065Ala; replaces threonine 3065 with alanine.
Molecular consequence: missense variant.
Genome position (GRCh38, 1-based): chr2:21,007,675, T>C on the plus strand (A>G on the coding strand, the complement: APOB is on the minus strand). VCF-style: chr2-21007675-T-C. GRCh37 (hg19) VCF-style: chr2-21230547-T-C.
Other names: c.9193A>G (NM_000384.2); short protein forms T3065A.
Identifiers: ClinVar variation 2929195 (VCV002929195.4), dbSNP rs756723938, ClinGen allele CA066356.